The following is an entry in ClinVar:

ClinVar aggregate classification (germline): Conflicting classifications of pathogenicity. Review status: criteria provided, conflicting classifications (1 of 4 stars). 2 submissions from 2 submitters: Uncertain significance (1); Likely benign (1). Last evaluated 2022-08-23.

Conditions:
Lichtenstein-Knorr syndrome (LIKNS). Also called: SPINOCEREBELLAR ATAXIA, AUTOSOMAL RECESSIVE 19. Identifiers: Orphanet 448251, MedGen C4225383, MONDO:0014572, OMIM 616291.

Allele frequency attached by ClinVar (database versions not stated): gnomAD exomes below 0.00001.
gnomAD v4.1: 3 of 1,610,230 alleles (0.00019%); highest among the groups gnomAD compares: African/African-American, 0.0013%; no homozygotes.

Submissions (2):

Labcorp Genetics (formerly Invitae), Labcorp
Classification: Likely benign. Last evaluated: 2022-08-23. Review status: criteria provided, single submitter. Criteria: Invitae Variant Classification Sherloc (09022015). Collection method: clinical testing. Allele origin: germline.

Laboratorio de Genetica e Diagnostico Molecular, Hospital Israelita Albert Einstein
Classification: Uncertain significance for Lichtenstein-Knorr syndrome. Last evaluated: 2021-08-24. Review status: criteria provided, single submitter. Criteria: ACMG Guidelines, 2015. Collection method: clinical testing. Allele origin: germline. Affected: yes.
Comment: ACMG classification criteria: PM2, PP1

NM_003047.5(SLC9A1):c.2031G>A (p.Glu677=)

Gene: SLC9A1 (solute carrier family 9 member A1; minus strand). Cytogenetic location: 1p36.11.
Variant type: single nucleotide variant.
Coding change: c.2031G>A on transcript NM_003047.5 (MANE Select); coding-DNA position 2031, G replaced by A.
Protein change: p.Glu677=; no amino-acid change (glutamic acid 677 retained).
Molecular consequence: synonymous variant. On other transcripts: non-coding transcript variant (1).
Genome position (GRCh38, 1-based): chr1:27,101,731, C>T on the plus strand (G>A on the coding strand, the complement: SLC9A1 is on the minus strand). VCF-style: chr1-27101731-C-T. GRCh37 (hg19) VCF-style: chr1-27428222-C-T.
Identifiers: ClinVar variation 1683602 (VCV001683602.7), dbSNP rs2083146343, ClinGen allele CA416974006.
Genomic context (GRCh38, chr1:27,101,731, plus strand): 5'-GGAGCTTGGGCGAGTGGGGTGGGATACAGATTCCCAGAGGAAGGCAGAGGCTACCTTCTG[C>T]TCCAGCTGCCGGGCCTTCTGCCTCCGGAGCAGCATCTGGTTCCAGGCTTCCTCGTAGGGG-3'
Protein context (NP_003038.2, residues 667-687): LLRRQKARQL[Glu677=]QKINNYLTVP